The following is an entry in ClinVar:

ClinVar aggregate classification (germline): Uncertain significance (1 of 4 stars; one submission).

Conditions:
Lethal congenital glycogen storage disease of heart. Also called: GLYCOGEN STORAGE DISEASE OF HEART; PHOSPHORYLASE KINASE DEFICIENCY OF HEART. Identifiers: Orphanet 439854, MedGen C1849813, MONDO:0009867, OMIM 261740.

Submission:

Labcorp Genetics (formerly Invitae), Labcorp
Classification: Uncertain significance for Lethal congenital glycogen storage disease of heart. Last evaluated: 2022-07-29. Review status: criteria provided, single submitter. Criteria: Invitae Variant Classification Sherloc (09022015). Collection method: clinical testing. Allele origin: germline.
Comment: This sequence change replaces tyrosine, which is neutral and polar, with histidine, which is basic and polar, at codon 331 of the PRKAG2 protein (p.Tyr331His). This variant is not present in population databases (gnomAD no frequency). This variant has not been reported in the literature in individuals affected with PRKAG2-related conditions. Advanced modeling of protein sequence and biophysical properties (such as structural, functional, and spatial information, amino acid conservation, physicochemical variation, residue mobility, and thermodynamic stability) performed at Invitae indicates that this missense variant is expected to disrupt PRKAG2 protein function. In summary, the available evidence is currently insufficient to determine the role of this variant in disease. Therefore, it has been classified as a Variant of Uncertain Significance.

NM_016203.4(PRKAG2):c.991T>C (p.Tyr331His)

Gene: PRKAG2 (protein kinase AMP-activated non-catalytic subunit gamma 2; minus strand). Cytogenetic location: 7q36.1.
Variant type: single nucleotide variant.
Coding change: c.991T>C on transcript NM_016203.4 (MANE Select); coding-DNA position 991, T replaced by C.
Protein change: p.Tyr331His; replaces tyrosine 331 with histidine.
Molecular consequence: missense variant.
Genome position (GRCh38, 1-based): chr7:151,574,905, A>G on the plus strand (T>C on the coding strand, the complement: PRKAG2 is on the minus strand). VCF-style: chr7-151574905-A-G. GRCh37 (hg19) VCF-style: chr7-151271991-A-G.
Other names: c.859T>C, p.Tyr287His (NM_001040633.2, NM_001407024.1); c.616T>C, p.Tyr206His (NM_001304527.2, NM_001407029.1); c.268T>C, p.Tyr90His (NM_001304531.2, NM_001407034.1, NM_001407035.1 and 1 more transcripts); c.619T>C, p.Tyr207His (NM_001363698.2, NM_001407028.1); c.991T>C, p.Tyr331His (NM_001407021.1); c.988T>C, p.Tyr330His (NM_001407022.1, NM_001407023.1); c.856T>C, p.Tyr286His (NM_001407026.1, NM_001407027.1); c.703T>C, p.Tyr235His (NM_001407030.1); and 6 more; short protein forms Y89H, Y90H, Y106H, Y110H, Y206H, Y207H, Y223H, Y225H.
Identifiers: ClinVar variation 1714117 (VCV001714117.5), dbSNP rs2536394441, ClinGen allele CA370072249.
Genomic context (GRCh38, chr7:151,574,905, plus strand): 5'-GATACGTACAGCTCCAACTACTGACATAGGAACTGGTGCCACTTACCATAGGTGATTTAT[A>G]GTATCTATGTAGTATATTTATGAAATCTGTAATTGTTAGCATTCCTGGAACAAAGAATTA-3'
Protein context (NP_057287.2, residues 321-341): TDFINILHRY[Tyr331His]KSPMVQIYEL